The following is an entry in ClinVar:

NM_002471.4(MYH6):c.575T>C (p.Ile192Thr)

Genes: MYH6 (myosin heavy chain 6; minus strand), LOC114827851 (VISTA enhancer hs2155; plus strand). Cytogenetic location: 14q11.2.
Variant type: single nucleotide variant.
Coding change: c.575T>C on transcript NM_002471.4 (MANE Select); coding-DNA position 575, T replaced by C.
Protein change: p.Ile192Thr; replaces isoleucine 192 with threonine.
Molecular consequence: missense variant.
Genome position (GRCh38, 1-based): chr14:23,404,778, A>G on the plus strand (T>C on the coding strand, the complement: MYH6 is on the minus strand). VCF-style: chr14-23404778-A-G. GRCh37 (hg19) VCF-style: chr14-23873987-A-G.
Other names: short protein forms I192T.
Identifiers: ClinVar variation 4529531 (VCV004529531.1).
Genomic context (GRCh38, chr14:23,404,778, plus strand): 5'-GCATTGGCATTGTCCTTCTTGCCACGGTCACCTATGGCTGCAATGCTGGCAAAGTACTGG[A>G]TGACACGCTTGGTGTTCACAGTCTTCCCCGCCCCGGATTCTCCCCTGGGGGCCACAGAGA-3'
Protein context (NP_002462.2, residues 182-202): AGKTVNTKRV[Ile192Thr]QYFASIAAIG

ClinVar aggregate classification (germline): Uncertain significance (1 of 4 stars; one submission).

Submission:

GeneDx
Classification: Uncertain significance. Last evaluated: 2025-05-12. Review status: criteria provided, single submitter. Criteria: GeneDx Variant Classification Process June 2021. Collection method: clinical testing. Allele origin: germline. Affected: yes.
Comment: Not observed at significant frequency in large population cohorts (gnomAD); In silico analysis supports that this missense variant has a deleterious effect on protein structure/function; Has not been previously published as pathogenic or benign to our knowledge